The following is an entry in ClinVar:

NM_170682.4(P2RX2):c.1344G>A (p.Met448Ile)

Gene: P2RX2 (purinergic receptor P2X 2; plus strand). Cytogenetic location: 12q24.33.
Variant type: single nucleotide variant.
Coding change: c.1344G>A on transcript NM_170682.4 (MANE Select); coding-DNA position 1344, G replaced by A.
Protein change: p.Met448Ile; replaces methionine 448 with isoleucine.
Molecular consequence: missense variant. On other transcripts: 3 prime UTR variant (1).
Genome position (GRCh38, 1-based): chr12:132,621,900, G>A. VCF-style: chr12-132621900-G-A. GRCh37 (hg19) VCF-style: chr12-133198486-G-A.
Other names: c.1041G>A, p.Met347Ile (NM_001282164.2); c.*391G>A (NM_001282165.2); c.1128G>A, p.Met376Ile (NM_012226.5); c.1272G>A, p.Met424Ile (NM_016318.4); c.1422G>A, p.Met474Ile (NM_170683.4); c.1068G>A, p.Met356Ile (NM_174872.3); c.1143G>A, p.Met381Ile (NM_174873.3); short protein forms M347I, M356I, M376I, M381I, M424I, M448I, M474I.
Identifiers: ClinVar variation 1710736 (VCV001710736.2), dbSNP rs776287649, ClinGen allele CA6891899.

ClinVar aggregate classification (germline): Uncertain significance (1 of 4 stars; one submission).

Allele frequency attached by ClinVar (database versions not stated): gnomAD exomes below 0.00001; ExAC 0.00001; gnomAD 0.00001; TOPMed 0.00003.

Submission:

GeneDx
Classification: Uncertain significance. Last evaluated: 2022-10-11. Review status: criteria provided, single submitter. Criteria: GeneDx Variant Classification Process June 2021. Collection method: clinical testing. Allele origin: germline. Affected: yes.
Comment: Not observed at significant frequency in large population cohorts (gnomAD); In silico analysis supports that this missense variant does not alter protein structure/function; Has not been previously published as pathogenic or benign to our knowledge